The following is an entry in ClinVar:

ClinVar aggregate classification (germline): Uncertain significance. Review status: criteria provided, multiple submitters, no conflicts (2 of 4 stars). 3 submissions from 3 submitters: Uncertain significance (2). 1 of the submissions does not count toward it. Last evaluated 2022-05-11.

Conditions:
Primary ciliary dyskinesia. Also called: Ciliary dyskinesia. Identifiers: Orphanet 244, MedGen C0008780, MONDO:0016575, HP:0012265.

Allele frequency attached by ClinVar (database versions not stated): gnomAD exomes 0.00001; ExAC 0.00002; gnomAD 0.00002; TOPMed 0.00004; ESP Exome Variant Server 0.00008.
gnomAD v4.1: 6 of 1,613,982 alleles (0.00037%); highest among the groups gnomAD compares: Admixed American, 0.0083%; no homozygotes.

Submissions (3):

Ambry Genetics
Classification: Uncertain significance for Primary ciliary dyskinesia. Last evaluated: 2022-05-11. Review status: criteria provided, single submitter. Criteria: Ambry Variant Classification Scheme 2023. Collection method: clinical testing. Allele origin: germline.

Labcorp Genetics (formerly Invitae), Labcorp
Classification: Uncertain significance for Primary ciliary dyskinesia. Last evaluated: 2021-12-19. Review status: criteria provided, single submitter. Criteria: Invitae Variant Classification Sherloc (09022015). Collection method: clinical testing. Allele origin: germline.
Comment: This sequence change replaces lysine, which is basic and polar, with arginine, which is basic and polar, at codon 2139 of the DNAH5 protein (p.Lys2139Arg). This variant is present in population databases (rs151336435, gnomAD 0.003%). This variant has not been reported in the literature in individuals affected with DNAH5-related conditions. ClinVar contains an entry for this variant (Variation ID: 454793). Advanced modeling of protein sequence and biophysical properties (such as structural, functional, and spatial information, amino acid conservation, physicochemical variation, residue mobility, and thermodynamic stability) performed at Invitae indicates that this missense variant is not expected to disrupt DNAH5 protein function. Algorithms developed to predict the effect of sequence changes on RNA splicing suggest that this variant may create or strengthen a splice site. In summary, the available evidence is currently insufficient to determine the role of this variant in disease. Therefore, it has been classified as a Variant of Uncertain Significance.

Natera, Inc.
Classification: Uncertain significance for Primary ciliary dyskinesia. Last evaluated: 2019-11-11. Review status: no assertion criteria provided. Collection method: clinical testing. Allele origin: germline. Not counted in ClinVar's aggregate classification.

NM_001369.3(DNAH5):c.6416A>G (p.Lys2139Arg)

Gene: DNAH5 (dynein axonemal heavy chain 5; minus strand). Cytogenetic location: 5p15.2.
Variant type: single nucleotide variant.
Coding change: c.6416A>G on transcript NM_001369.3 (MANE Select); coding-DNA position 6416, A replaced by G.
Protein change: p.Lys2139Arg; replaces lysine 2139 with arginine.
Molecular consequence: missense variant.
Genome position (GRCh38, 1-based): chr5:13,829,538, T>C on the plus strand (A>G on the coding strand, the complement: DNAH5 is on the minus strand). VCF-style: chr5-13829538-T-C. GRCh37 (hg19) VCF-style: chr5-13829647-T-C.
Other names: short protein forms K2139R.
Identifiers: ClinVar variation 454793 (VCV000454793.10), dbSNP rs151336435, ClinGen allele CA3203412.